The following is an entry in ClinVar:

ClinVar aggregate classification (germline): Uncertain significance. Review status: criteria provided, multiple submitters, no conflicts (2 of 4 stars). 2 submissions from 2 submitters: Uncertain significance (2). Last evaluated 2025-04-28.

Conditions:
Hereditary breast ovarian cancer syndrome. Also called: Hereditary breast and ovarian cancer syndrome; Hereditary breast and ovarian cancer; Hereditary breast and ovarian cancer syndrome (HBOC); Breast and ovarian cancer; Hereditary breast and/or ovarian cancer syndrome; BRCA1- and BRCA2-Associated Hereditary Breast and Ovarian Cancer. Identifiers: Orphanet 145, MedGen C0677776, MeSH D061325, MONDO:0003582. Disease mechanism: loss of function.
Hereditary cancer-predisposing syndrome. Also called: Tumor predisposition; Hereditary neoplastic syndrome; Neoplastic Syndromes, Hereditary; Hereditary Cancer Syndrome. Identifiers: Orphanet 140162, MedGen C0027672, MeSH D009386, MONDO:0015356.

Submissions (2):

Ambry Genetics
Classification: Uncertain significance for Hereditary cancer-predisposing syndrome. Last evaluated: 2025-04-28. Review status: criteria provided, single submitter. Criteria: Ambry Variant Classification Scheme 2023. Collection method: clinical testing. Allele origin: germline.
Comment: The p.R1028P variant (also known as c.3083G>C), located in coding exon 9 of the BRCA1 gene, results from a G to C substitution at nucleotide position 3083. The arginine at codon 1028 is replaced by proline, an amino acid with dissimilar properties. This variant was identified in a patient with pancreatic adenocarcinoma who fulfilled revised Bethesda guidelines (Ohmoto A et al. J Gastroenterol, 2018 Oct;53:1159-1167). This amino acid position is poorly conserved in available vertebrate species. In addition, this alteration is predicted to be tolerated by in silico analysis. Based on the available evidence, the clinical significance of this variant remains unclear.

Labcorp Genetics (formerly Invitae), Labcorp
Classification: Uncertain significance for Hereditary breast ovarian cancer syndrome. Last evaluated: 2025-03-21. Review status: criteria provided, single submitter. Criteria: Invitae Variant Classification Sherloc (09022015). Collection method: clinical testing. Allele origin: germline.
Comment: This sequence change replaces arginine, which is basic and polar, with proline, which is neutral and non-polar, at codon 1028 of the BRCA1 protein (p.Arg1028Pro). This variant is not present in population databases (gnomAD no frequency). This variant has not been reported in the literature in individuals affected with BRCA1-related conditions. Invitae Evidence Modeling of protein sequence and biophysical properties (such as structural, functional, and spatial information, amino acid conservation, physicochemical variation, residue mobility, and thermodynamic stability) indicates that this missense variant is not expected to disrupt BRCA1 protein function with a negative predictive value of 80%. In summary, the available evidence is currently insufficient to determine the role of this variant in disease. Therefore, it has been classified as a Variant of Uncertain Significance.

Literature cited by the submitters: PubMed 29667044 (cited by Ambry Genetics).

NM_007294.4(BRCA1):c.3083G>C (p.Arg1028Pro)

Gene: BRCA1 (BRCA1 DNA repair associated; minus strand). Cytogenetic location: 17q21.31.
Variant type: single nucleotide variant.
Coding change: c.3083G>C on transcript NM_007294.4 (MANE Select); coding-DNA position 3083, G replaced by C.
Protein change: p.Arg1028Pro; replaces arginine 1028 with proline.
Molecular consequence: missense variant. On other transcripts: intron variant (137).
Genome position (GRCh38, 1-based): chr17:43,092,448, C>G on the plus strand (G>C on the coding strand, the complement: BRCA1 is on the minus strand). VCF-style: chr17-43092448-C-G. GRCh37 (hg19) VCF-style: chr17-41244465-C-G.
Other names: c.2942G>C, p.Arg981Pro (NM_001407944.1, NM_001407945.1, NM_001407692.1 and 29 more transcripts); c.2870G>C, p.Arg957Pro (NM_001407917.1, NM_001407918.1, NM_001407571.1 and 9 more transcripts); c.2960G>C, p.Arg987Pro (NM_001407919.1, NM_001407674.1, NM_001407675.1 and 19 more transcripts); c.2750G>C, p.Arg917Pro (NM_001407946.1, NM_001407947.1, NM_001407957.1 and 6 more transcripts); c.2819G>C, p.Arg940Pro (NM_001407920.1, NM_001407921.1, NM_001407922.1 and 9 more transcripts); c.2747G>C, p.Arg916Pro (NM_001407958.1, NM_001407954.1, NM_001407955.1 and 1 more transcripts); c.2702G>C, p.Arg901Pro (NM_001407959.1, NM_001407960.1, NM_001407963.1); c.2699G>C, p.Arg900Pro (NM_001407962.1); and 41 more; short protein forms R1025P, R1027P, R1028P, R860P, R917P, R939P, R957P, R960P.
Identifiers: ClinVar variation 3992613 (VCV003992613.2).
Genomic context (GRCh38, chr17:43,092,448, plus strand): 5'-CCTACTTCATTAATATTGCTTGAGCTGGCTTCTTTAAAAACATTTTCTCTAATGTTATTA[C>G]GGCTAATTGTGCTCACTGTACTTGGAATGTTCTCATTTCCCATTTCTCTTTCAGGTGACA-3'
Protein context (NP_009225.1, residues 1018-1038): NIPSTVSTIS[Arg1028Pro]NNIRENVFKE